The following is an entry in ClinVar:

NM_000059.4(BRCA2):c.1231del (p.Ile411fs)

Gene: BRCA2 (BRCA2 DNA repair associated; plus strand). Cytogenetic location: 13q13.1.
Variant type: Deletion.
Coding change: c.1231del on transcript NM_000059.4 (MANE Select); coding-DNA position 1231, one base deleted (A; older notation c.1231delA).
Protein change: p.Ile411fs; shifts the reading frame from isoleucine 411.
Molecular consequence: frameshift variant.
Genome position (GRCh38, 1-based): chr13:32,332,709, A deleted; the last of 4 consecutive A bases (chr13:32,332,706-32,332,709); deleting any one gives the same sequence. VCF-style (leftmost placement, unchanged base first): chr13-32332705-GA-G. GRCh37 (hg19) VCF-style: chr13-32906842-GA-G.
Other names: 1459delA; c.1231delA (NM_000059.3).
Identifiers: ClinVar variation 125937 (VCV000125937.7), dbSNP rs80359269, ClinGen allele CA011252.

ClinVar aggregate classification (germline): Pathogenic. Review status: reviewed by expert panel (3 of 4 stars). 5 submissions from 5 submitters: Pathogenic (1). 4 of the submissions do not count toward it. Last evaluated 2016-04-22.

Conditions:
Hereditary cancer-predisposing syndrome. Also called: Tumor predisposition; Hereditary Cancer Syndrome; Neoplastic Syndromes, Hereditary; Hereditary neoplastic syndrome. Identifiers: Orphanet 140162, MedGen C0027672, MeSH D009386, MONDO:0015356.
Breast-ovarian cancer, familial, susceptibility to, 2 (BROVCA2). Also called: BRCA2 Hereditary Breast and Ovarian Cancer. Identifiers: Orphanet 145, MedGen C2675520, MONDO:0012933, OMIM 612555. Disease mechanism: loss of function.

Submissions (5):

Evidence-based Network for the Interpretation of Germline Mutant Alleles (ENIGMA)
Classification: Pathogenic for Breast-ovarian cancer, familial, susceptibility to, 2. Last evaluated: 2016-04-22. Review status: reviewed by expert panel. Criteria: ENIGMA BRCA1/2 Classification Criteria (2015). Collection method: curation. Allele origin: germline.
Comment: Variant allele predicted to encode a truncated non-functional protein.

Ambry Genetics
Classification: Pathogenic for Hereditary cancer-predisposing syndrome. Last evaluated: 2025-05-16. Review status: criteria provided, single submitter. Criteria: Ambry Variant Classification Scheme 2023. Collection method: clinical testing. Allele origin: germline. Not counted in ClinVar's aggregate classification.
Comment: The c.1231delA pathogenic mutation, located in coding exon 9 of the BRCA2 gene, results from a deletion of one nucleotide at nucleotide position 1231, causing a translational frameshift with a predicted alternate stop codon (p.I411Yfs*19). This variant was reported in individual(s) with features consistent with BRCA2-related cancer predisposition (Kote-Jarai Z et al. Br J Cancer, 2011 Oct;105:1230-4; Castro E et al. J Clin Oncol, 2013 May;31:1748-57; Janaviius R et al. Cancer Genet, 2014 May;207:195-205; Brovkina OI et al. Front Oncol, 2018 Oct;8:421). Note, this variant is also referred to as 1459delA in the literature. This variant is considered to be rare based on population cohorts in the Genome Aggregation Database (gnomAD). In addition to the clinical data presented in the literature, this alteration is expected to result in loss of function by premature protein truncation or nonsense-mediated mRNA decay. As such, this alteration is interpreted as a disease-causing mutation.

GeneDx
Classification: Pathogenic. Last evaluated: 2022-11-09. Review status: criteria provided, single submitter. Criteria: GeneDx Variant Classification Process June 2021. Collection method: clinical testing. Allele origin: germline. Affected: yes. Not counted in ClinVar's aggregate classification.
Comment: Frameshift variant predicted to result in protein truncation or nonsense mediated decay in a gene for which loss of function is a known mechanism of disease; Observed in individuals with a personal or family history consistent with pathogenic variants in this gene (Kote-Jarai et al., 2011; Brovkina et al., 2018); Truncating variants in this gene are considered pathogenic by a well-established clinical consortium and/or database; Not observed at significant frequency in large population cohorts (gnomAD); Also known as 1459del; This variant is associated with the following publications: (PMID: 21952622, 30333958)

Consortium of Investigators of Modifiers of BRCA1/2 (CIMBA), c/o University of Cambridge
Classification: Pathogenic for Breast-ovarian cancer, familial, susceptibility to, 2. Last evaluated: 2015-10-02. Review status: criteria provided, single submitter. Criteria: CIMBA Mutation Classification guidelines May 2016. Collection method: clinical testing. Allele origin: germline. Not counted in ClinVar's aggregate classification.

Breast Cancer Information Core (BIC) (BRCA2)
Classification: Pathogenic for Breast-ovarian cancer, familial 2. Review status: no assertion criteria provided. Collection method: clinical testing. Allele origin: germline. Affected: yes. Observed: 1 variant allele. Not counted in ClinVar's aggregate classification.

Literature cited by the submitters: PubMed 21952622 (cited by Ambry Genetics); PubMed 23569316 (cited by Ambry Genetics); PubMed 25066507 (cited by Ambry Genetics); PubMed 30333958 (cited by Ambry Genetics).